The following is an entry in ClinVar:

ClinVar aggregate classification (germline): Uncertain significance (1 of 4 stars; one submission).

Submission:

Labcorp Genetics (formerly Invitae), Labcorp
Classification: Uncertain significance. Last evaluated: 2024-09-16. Review status: criteria provided, single submitter. Criteria: Invitae Variant Classification Sherloc (09022015). Collection method: clinical testing. Allele origin: germline.
Comment: This sequence change replaces leucine, which is neutral and non-polar, with glutamine, which is neutral and polar, at codon 77 of the ADCY1 protein (p.Leu77Gln). This variant is not present in population databases (gnomAD no frequency). This variant has not been reported in the literature in individuals affected with ADCY1-related conditions. Invitae Evidence Modeling of protein sequence and biophysical properties (such as structural, functional, and spatial information, amino acid conservation, physicochemical variation, residue mobility, and thermodynamic stability) indicates that this missense variant is expected to disrupt ADCY1 protein function with a positive predictive value of 80%. In summary, the available evidence is currently insufficient to determine the role of this variant in disease. Therefore, it has been classified as a Variant of Uncertain Significance.

NM_021116.4(ADCY1):c.230T>A (p.Leu77Gln)

Genes: ADCY1 (adenylate cyclase 1; plus strand), LOC129998402 (ATAC-STARR-seq lymphoblastoid silent region 18165; plus strand). Cytogenetic location: 7p12.3.
Variant type: single nucleotide variant.
Coding change: c.230T>A on transcript NM_021116.4 (MANE Select); coding-DNA position 230, T replaced by A.
Protein change: p.Leu77Gln; replaces leucine 77 with glutamine.
Molecular consequence: missense variant. On other transcripts: intron variant (1).
Genome position (GRCh38, 1-based): chr7:45,574,773, T>A. VCF-style: chr7-45574773-T-A. GRCh37 (hg19) VCF-style: chr7-45614372-T-A.
Other names: c.-330-116T>A (NM_001281768.2); short protein forms L77Q.
Identifiers: ClinVar variation 3730659 (VCV003730659.2).
Genomic context (GRCh38, chr7:45,574,773, plus strand): 5'-AGCAGGCGGCCACGCTGAAGGCGCTGGCCGTTCTCAGCCTGCTGGCGGGCGCGCTGGCGC[T>A]GGCCGAGCTGCTGGGCGCGCCGGGGCCCGCGCCCGGCCTGGCCAAGGGCTCACACCCGGT-3'
Protein context (NP_066939.1, residues 67-87): VLSLLAGALA[Leu77Gln]AELLGAPGPA